The following is an entry in ClinVar:

ClinVar aggregate classification (germline): Uncertain significance (1 of 4 stars; one submission).

Submission:

Ambry Genetics
Classification: Uncertain significance. Last evaluated: 2023-02-10. Review status: criteria provided, single submitter. Criteria: Ambry Variant Classification Scheme 2023. Collection method: clinical testing. Allele origin: germline.
Comment: The p.H342Q variant (also known as c.1026C>G), located in coding exon 7 of the IDH1 gene, results from a C to G substitution at nucleotide position 1026. The histidine at codon 342 is replaced by glutamine, an amino acid with highly similar properties. This amino acid position is conserved. In addition, this alteration is predicted to be deleterious by in silico analysis. Since supporting evidence is limited at this time, the clinical significance of this alteration remains unclear.

NM_005896.4(IDH1):c.1026C>G (p.His342Gln)

Gene: IDH1 (isocitrate dehydrogenase (NADP(+)) 1; minus strand). Cytogenetic location: 2q34.
Variant type: single nucleotide variant.
Coding change: c.1026C>G on transcript NM_005896.4 (MANE Select); coding-DNA position 1026, C replaced by G.
Protein change: p.His342Gln; replaces histidine 342 with glutamine.
Molecular consequence: missense variant.
Genome position (GRCh38, 1-based): chr2:208,239,199, G>C on the plus strand (C>G on the coding strand, the complement: IDH1 is on the minus strand). VCF-style: chr2-208239199-G-C. GRCh37 (hg19) VCF-style: chr2-209103923-G-C.
Other names: c.1026C>G, p.His342Gln (NM_001282386.1, NM_001282387.1); short protein forms H342Q.
Identifiers: ClinVar variation 2491959 (VCV002491959.2), dbSNP rs2124847663, ClinGen allele CA350094747.
Genomic context (GRCh38, chr2:208,239,199, plus strand): 5'-GACTTCTTCCAAAGCATTTGCAAAGAAGGCAAGCTCTTTATTGTTATCAAGCTTTGCTCT[G>C]TGGGCTAACCCTCTGGTCCAGGCAAAAATGGAAGCTAAAAGAGGGGAAAAAAAACACAAC-3'
Protein context (NP_005887.2, residues 332-352): SIFAWTRGLA[His342Gln]RAKLDNNKEL